The following is an entry in ClinVar:

ClinVar aggregate classification (germline): Uncertain significance (1 of 4 stars; one submission).

Conditions:
Primary ciliary dyskinesia. Also called: Ciliary dyskinesia. Identifiers: Orphanet 244, MedGen C0008780, MONDO:0016575, HP:0012265.

gnomAD v4.1: 5 of 1,596,466 alleles (0.00031%); highest among the groups gnomAD compares: African/African-American, 0.004%; no homozygotes.

Submission:

Ambry Genetics
Classification: Uncertain significance for Primary ciliary dyskinesia. Last evaluated: 2026-06-25. Review status: criteria provided, single submitter. Criteria: Ambry Variant Classification Scheme 2023. Collection method: clinical testing. Allele origin: germline.
Comment: The p.P298S variant (also known as c.892C>T), located in coding exon 5 of the DNAH11 gene, results from a C to T substitution at nucleotide position 892. The proline at codon 298 is replaced by serine, an amino acid with similar properties. This amino acid position is conserved. In addition, this alteration is predicted to be tolerated by in silico analysis. Based on the available evidence, the clinical significance of this variant remains unclear.

NM_001277115.2(DNAH11):c.892C>T (p.Pro298Ser)

Gene: DNAH11 (dynein axonemal heavy chain 11; plus strand). Cytogenetic location: 7p15.3.
Variant type: single nucleotide variant.
Coding change: c.892C>T on transcript NM_001277115.2 (MANE Select); coding-DNA position 892, C replaced by T.
Protein change: p.Pro298Ser; replaces proline 298 with serine.
Molecular consequence: missense variant.
Genome position (GRCh38, 1-based): chr7:21,561,080, C>T. VCF-style: chr7-21561080-C-T. GRCh37 (hg19) VCF-style: chr7-21600698-C-T.
Other names: short protein forms P298S.
Identifiers: ClinVar variation 5035433 (VCV005035433.1).